The following is an entry in ClinVar:

NM_139321.3(ATRN):c.4109C>G (p.Ser1370Cys)

Gene: ATRN (attractin; plus strand). Cytogenetic location: 20p13.
Variant type: single nucleotide variant.
Coding change: c.4109C>G on transcript NM_139321.3 (MANE Select); coding-DNA position 4109, C replaced by G.
Protein change: p.Ser1370Cys; replaces serine 1370 with cysteine.
Molecular consequence: missense variant.
Genome position (GRCh38, 1-based): chr20:3,644,212, C>G. VCF-style: chr20-3644212-C-G. GRCh37 (hg19) VCF-style: chr20-3624859-C-G.
Other names: short protein forms S1370C.
Identifiers: ClinVar variation 1433057 (VCV001433057.6), dbSNP rs2146328420, ClinGen allele CA408097623.
Genomic context (GRCh38, chr20:3,644,212, plus strand): 5'-AGACTGTTCCCAAACCCATTGCACTGGAGCCGTGTTTTGGCAACAAAGCCGCTGTCCTCT[C>G]TGTGTTTGTGAGGCTCCCTCGAGGCCTGGGTGGCATCCCTCCTCCTGGGCAGTCAGGTGA-3'
Protein context (NP_647537.1, residues 1360-1380): PCFGNKAAVL[Ser1370Cys]VFVRLPRGLG

ClinVar aggregate classification (germline): Uncertain significance (1 of 4 stars; one submission).

Submission:

Labcorp Genetics (formerly Invitae), Labcorp
Classification: Uncertain significance. Last evaluated: 2025-09-02. Review status: criteria provided, single submitter. Criteria: Invitae Variant Classification Sherloc (09022015). Collection method: clinical testing. Allele origin: germline.
Comment: This sequence change replaces serine, which is neutral and polar, with cysteine, which is neutral and slightly polar, at codon 1370 of the ATRN protein (p.Ser1370Cys). This variant is not present in population databases (gnomAD no frequency). This variant has not been reported in the literature in individuals affected with ATRN-related conditions. ClinVar contains an entry for this variant (Variation ID: 1433057). An algorithm developed to predict the effect of missense changes on protein structure and function (PolyPhen-2) suggests that this variant is likely to be disruptive. In summary, the available evidence is currently insufficient to determine the role of this variant in disease. Therefore, it has been classified as a Variant of Uncertain Significance.